The following is an entry in ClinVar:

NM_001370259.2(MEN1):c.446-2A>G

Gene: MEN1 (menin 1; minus strand). Cytogenetic location: 11q13.1.
Variant type: single nucleotide variant.
Coding change: c.446-2A>G on transcript NM_001370259.2 (MANE Select); the canonical splice acceptor site of the intron before coding-DNA position 446, A replaced by G.
Molecular consequence: splice acceptor variant.
Genome position (GRCh38, 1-based): chr11:64,808,101, T>C on the plus strand (A>G on the coding strand, the complement: MEN1 is on the minus strand). VCF-style: chr11-64808101-T-C. GRCh37 (hg19) VCF-style: chr11-64575573-T-C.
Other names: c.446-2A>G (NM_001407144.1, NM_001407149.1, NM_001407151.1 and 12 more transcripts); c.461-2A>G (NM_000244.4, NM_130801.3, NM_130800.3 and 5 more transcripts).
Identifiers: ClinVar variation 428001 (VCV000428001.20), dbSNP rs886042035, ClinGen allele CA381186358.

ClinVar aggregate classification (germline): Pathogenic. Review status: criteria provided, multiple submitters, no conflicts (2 of 4 stars). 5 submissions from 5 submitters: Pathogenic (5). Last evaluated 2026-02-16.

Conditions:
Hereditary cancer-predisposing syndrome. Also called: Neoplastic Syndromes, Hereditary; Hereditary neoplastic syndrome; Tumor predisposition; Hereditary Cancer Syndrome. Identifiers: Orphanet 140162, MedGen C0027672, MeSH D009386, MONDO:0015356.
Multiple endocrine neoplasia, type 1 (MEN1). Also called: MEN I; WERMER SYNDROME; Endocrine adenomatosis multiple; MEN 1; MEA I. Identifiers: Orphanet 652, MedGen C0025267, MeSH D018761, MONDO:0007540, OMIM 131100.

Submissions (5):

Ambry Genetics
Classification: Pathogenic for Hereditary cancer-predisposing syndrome. Last evaluated: 2026-02-16. Review status: criteria provided, single submitter. Criteria: Ambry Variant Classification Scheme 2023. Collection method: clinical testing. Allele origin: germline.
Comment: The c.446-2A>G intronic pathogenic mutation results from an A to G substitution two nucleotides upstream from coding exon 2 in the MEN1 gene. This variant was reported in individual(s) with features consistent with multiple endocrine neoplasia type 1 (MEN1)(Ambry internal data). This variant is considered to be rare based on population cohorts in the Genome Aggregation Database (gnomAD). This nucleotide position is highly conserved in available vertebrate species. In silico splice site analysis predicts that this alteration will weaken the native splice acceptor site and may result in the creation or strengthening of a novel splice acceptor site. Variants that disrupt the canonical splice site are expected to cause aberrant splicing, resulting in an abnormal protein or a transcript that is subject to nonsense-mediated mRNA decay. Based on the supporting evidence, this variant is interpreted as a disease-causing mutation.

Women's Health and Genetics/Laboratory Corporation of America, LabCorp
Classification: Pathogenic for Multiple endocrine neoplasia, type 1. Last evaluated: 2026-01-21. Review status: criteria provided, single submitter. Criteria: LabCorp Variant Classification Summary - May 2015. Collection method: clinical testing. Allele origin: germline.
Comment: Variant summary: MEN1 c.446-2A>G is located in a canonical splice-site and is predicted to affect mRNA splicing resulting in a significantly altered protein due to either exon skipping, shortening, or inclusion of intronic material. Variants that disrupt the consensus splice site are a relatively common cause of aberrant splicing and loss of MEN1 function. Several computational tools predict a significant impact on normal splicing: Four predict the variant abolishes a 3' acceptor site. However, these predictions have yet to be confirmed by functional studies. The variant was absent in 233382 control chromosomes (gnomAD). To our knowledge, no occurrence of c.446-2A>G in individuals affected with MEN1-related conditions and no experimental evidence demonstrating its impact on protein function have been reported. ClinVar contains an entry for this variant (Variation ID: 428001). Based on the evidence outlined above, the variant was classified as pathogenic.

Clinical Genomic Analysis (GENYSIS) Core, University of North Carolina at Chapel Hill
Classification: Pathogenic for Multiple endocrine neoplasia, type 1. Last evaluated: 2025-12-16. Review status: criteria provided, single submitter. Criteria: ACMG Guidelines, 2015. Collection method: research. Allele origin: maternal. Observed: 1 variant allele, 1 heterozygote. Study: UNC Genetic Determinants of Neurological and Developmental Disorders (GDNDD) Study.
Comment: MEN1 c.446-2A>G is a canonical splice site variant in intron 2 of 9 that is predicted to result in a splice site acceptor loss and aberrant mRNA splicing. This variant is absent from control individuals in gnomADv4.1 and has been reported by several clinical labs as pathogenic in ClinVar. To our knowledge, this variant has not been previously reported in affected individuals in the literature. However, other variants that disrupt the same canonical splice acceptor site (446-1G>A, 446-1G>C, and 446-1A>C) have also been reported as pathogenic in ClinVar based on clinical lab internal data of affected individuals and RNA analysis. Given the available evidence, the c.446-2A>G variant is classified as pathogenic. ACMG codes: PVS1 (null variant), PS1_supporting (446-1G>A, 446-1G>C, and 446-1A>C also pathogenic), PM2_Supporting (absent from gnomAD).

Labcorp Genetics (formerly Invitae), Labcorp
Classification: Pathogenic for Multiple endocrine neoplasia, type 1. Last evaluated: 2025-03-26. Review status: criteria provided, single submitter. Criteria: Invitae Variant Classification Sherloc (09022015). Collection method: clinical testing. Allele origin: germline.
Comment: This sequence change affects an acceptor splice site in intron 2 of the MEN1 gene. It is expected to disrupt RNA splicing. Variants that disrupt the donor or acceptor splice site typically lead to a loss of protein function (PMID: 16199547), and loss-of-function variants in MEN1 are known to be pathogenic (PMID: 12112656, 17853334). This variant is not present in population databases (gnomAD no frequency). Disruption of this splice site has been observed in individuals with multiple endocrine neoplasia type 1 (MEN1) syndrome (internal data). ClinVar contains an entry for this variant (Variation ID: 428001). Algorithms developed to predict the effect of sequence changes on RNA splicing suggest that this variant may disrupt the consensus splice site. For these reasons, this variant has been classified as Pathogenic.

Quest Diagnostics Nichols Institute San Juan Capistrano
Classification: Pathogenic. Last evaluated: 2022-01-11. Review status: criteria provided, single submitter. Criteria: Quest Diagnostics criteria. Collection method: clinical testing. Allele origin: unknown.
Comment: This variant disrupts a canonical splice-acceptor site and interferes with normal MEN1 mRNA splicing. The variant has not been reported in individuals with MEN1-related diseases in the published literature. It also has not been reported in large, multi-ethnic general populations. Based on the available information, this variant is classified as pathogenic.

Literature cited by the submitters: PubMed 16199547 (cited by Labcorp Genetics (formerly Invitae), Labcorp); PubMed 12112656 (cited by Labcorp Genetics (formerly Invitae), Labcorp); PubMed 17853334 (cited by Labcorp Genetics (formerly Invitae), Labcorp).